The following is an entry in ClinVar:

ClinVar aggregate classification (germline): Conflicting classifications of pathogenicity. Review status: criteria provided, conflicting classifications (1 of 4 stars). 4 submissions from 4 submitters: Uncertain significance (3); Likely benign (1). Last evaluated 2024-08-10.

Conditions:
Primary ciliary dyskinesia. Also called: Ciliary dyskinesia. Identifiers: Orphanet 244, MedGen C0008780, MONDO:0016575, HP:0012265.

Allele frequency attached by ClinVar (database versions not stated): 1000 Genomes Project 30x 0.00016; 1000 Genomes Project 0.00020; gnomAD 0.00025; TOPMed 0.00048; gnomAD exomes 0.00053 and 0.00102; ExAC 0.00063; ESP Exome Variant Server 0.00077.
gnomAD v4.1: 1,556 of 1,613,258 alleles (0.096%); highest among the groups gnomAD compares: Non-Finnish European, 0.12%; 3 homozygotes.

Submissions (4):

Ambry Genetics
Classification: Uncertain significance. Last evaluated: 2024-08-10. Review status: criteria provided, single submitter. Criteria: Ambry Variant Classification Scheme 2023. Collection method: clinical testing. Allele origin: germline.

Labcorp Genetics (formerly Invitae), Labcorp
Classification: Uncertain significance for Primary ciliary dyskinesia. Last evaluated: 2022-10-30. Review status: criteria provided, single submitter. Criteria: Invitae Variant Classification Sherloc (09022015). Collection method: clinical testing. Allele origin: germline.
Comment: This sequence change replaces isoleucine, which is neutral and non-polar, with leucine, which is neutral and non-polar, at codon 1849 of the DNAH8 protein (p.Ile1849Leu). This variant is present in population databases (rs145036630, gnomAD 0.1%), and has an allele count higher than expected for a pathogenic variant. This variant has not been reported in the literature in individuals affected with DNAH8-related conditions. ClinVar contains an entry for this variant (Variation ID: 407295). Advanced modeling of protein sequence and biophysical properties (such as structural, functional, and spatial information, amino acid conservation, physicochemical variation, residue mobility, and thermodynamic stability) performed at Invitae indicates that this missense variant is not expected to disrupt DNAH8 protein function. In summary, the available evidence is currently insufficient to determine the role of this variant in disease. Therefore, it has been classified as a Variant of Uncertain Significance.

CeGaT Center for Human Genetics Tuebingen
Classification: Likely benign. Last evaluated: 2022-03-01. Review status: criteria provided, single submitter. Criteria: CeGaT Center For Human Genetics Tuebingen Variant Classification Criteria Version 2. Collection method: clinical testing. Allele origin: germline. Affected: yes. Observed: 1 variant allele.
Comment: DNAH8: BP4

Fulgent Genetics
Classification: Uncertain significance for Ciliary dyskinesia. Last evaluated: 2018-10-31. Review status: criteria provided, single submitter. Criteria: ACMG Guidelines, 2015. Collection method: clinical testing. Allele origin: unknown.

NM_001206927.2(DNAH8):c.5545A>T (p.Ile1849Leu)

Gene: DNAH8 (dynein axonemal heavy chain 8; plus strand). Cytogenetic location: 6p21.2.
Variant type: single nucleotide variant.
Coding change: c.5545A>T on transcript NM_001206927.2 (MANE Select); coding-DNA position 5545, A replaced by T.
Protein change: p.Ile1849Leu; replaces isoleucine 1849 with leucine.
Molecular consequence: missense variant.
Genome position (GRCh38, 1-based): chr6:38,852,772, A>T. VCF-style: chr6-38852772-A-T. GRCh37 (hg19) VCF-style: chr6-38820548-A-T.
Other names: c.4894A>T, p.Ile1632Leu (NM_001371.4); short protein forms I1849L, I1632L.
Identifiers: ClinVar variation 407295 (VCV000407295.33), dbSNP rs145036630, ClinGen allele CA3789409.